The following is an entry in ClinVar:

ClinVar aggregate classification (germline): Likely benign. Review status: criteria provided, multiple submitters, no conflicts (2 of 4 stars). 3 submissions from 3 submitters: Likely benign (3). Last evaluated 2025-11-15.

Allele frequency attached by ClinVar (database versions not stated): gnomAD 0.00003; gnomAD exomes 0.00026 and 0.00005; 1000 Genomes Project 0.00020; 1000 Genomes Project 30x 0.00031; TOPMed 0.00014; ExAC 0.00022.
gnomAD v4.1: 74 of 1,572,802 alleles (0.0047%); highest among the groups gnomAD compares: Admixed American, 0.12%; 1 homozygote.

Submissions (3):

Labcorp Genetics (formerly Invitae), Labcorp
Classification: Likely benign. Last evaluated: 2025-11-15. Review status: criteria provided, single submitter. Criteria: Invitae Variant Classification Sherloc (09022015). Collection method: clinical testing. Allele origin: germline.

GeneDx
Classification: Likely benign. Last evaluated: 2021-02-09. Review status: criteria provided, single submitter. Criteria: GeneDx Variant Classification Process June 2021. Collection method: clinical testing. Allele origin: germline. Affected: yes.

Laboratory for Molecular Medicine, Mass General Brigham Personalized Medicine
Classification: Likely benign. Last evaluated: 2015-06-18. Review status: criteria provided, single submitter. Criteria: LMM Criteria. Collection method: clinical testing. Allele origin: germline. Observed: 1 variant allele.
Comment: c.313-15C>T in intron 3 of SERPINB6: This variant is not expected to have clinic al significance because a C>T change at this position does not diverge from the splice consensus sequence and is therefore unlikely to impact splicing. It has b een identified in 0.23% (27/11568) of Latino chromosomes by the Exome Aggregatio n Consortium (ExAC; dbSNP rs190603417).

NM_004568.6(SERPINB6):c.313-15C>T

Gene: SERPINB6 (serpin family B member 6; minus strand). Cytogenetic location: 6p25.2.
Variant type: single nucleotide variant.
Coding change: c.313-15C>T on transcript NM_004568.6 (MANE Select); 15 bases into the intron before coding-DNA position 313, C replaced by T.
Molecular consequence: intron variant.
Genome position (GRCh38, 1-based): chr6:2,954,724, G>A on the plus strand (C>T on the coding strand, the complement: SERPINB6 is on the minus strand). VCF-style: chr6-2954724-G-A. GRCh37 (hg19) VCF-style: chr6-2954958-G-A.
Other names: c.313-15C>T (NM_001297700.2, NM_001271824.2, NM_001297699.2 and 2 more transcripts); c.325-15C>T (NM_001195291.3, NM_001374515.1); c.355-15C>T (NM_001271822.2); c.370-15C>T (NM_001271823.2); c.181-15C>T (NM_001374517.1).
Identifiers: ClinVar variation 227941 (VCV000227941.10), dbSNP rs190603417, ClinGen allele CA3617578.
Genomic context (GRCh38, chr6:2,954,724, plus strand): 5'-CCTCCATCTCTGCTTGGTAGAATTTTTGGCAGGAATCTCTAAAAGACTAGGATAGACAGA[G>A]TGACATAACTGCCTGGCTACAAAAATGATGAACACCAACGGCCTACTTCTTCATTGCACC-3'